The following is an entry in ClinVar:

NC_012920.1(MT-ND1):m.3849G>A

Gene: MT-ND1 (mitochondrially encoded NADH dehydrogenase 1; plus strand).
Variant type: single nucleotide variant.
Genome position: chrM-3849-G-A.
Identifiers: ClinVar variation 235619 (VCV000235619.6), dbSNP rs878853081, ClinGen allele CA10581376.
Genomic context (GRCh38, chrMT:3,849, plus strand): 5'-CCTCTCCACCCTTATCACAACACAAGAACACCTCTGATTACTCCTGCCATCATGACCCTT[G>A]GCCATAATATGATTTATCTCCACACTAGCAGAGACCAACCGAACCCCCTTCGACCTTGCC-3'

ClinVar aggregate classification (germline): Benign/Likely benign. Review status: criteria provided, multiple submitters, no conflicts (2 of 4 stars). 4 submissions from 4 submitters: Benign (1); Likely benign (3). Last evaluated 2025-02-16.

Submissions (4):

Laboratory of Genetics, Children's Clinical University Hospital Latvia
Classification: Likely benign. Last evaluated: 2025-02-16. Review status: criteria provided, single submitter. Criteria: ACMG Guidelines, 2015. Collection method: clinical testing. Allele origin: germline. Affected: yes.

Athena Diagnostics
Classification: Benign. Last evaluated: 2018-10-12. Review status: criteria provided, single submitter. Criteria: Athena Diagnostics Criteria. Collection method: clinical testing. Allele origin: germline.

Center for Pediatric Genomic Medicine, Children's Mercy Hospital and Clinics
Classification: Likely benign. Last evaluated: 2015-09-29. Review status: criteria provided, single submitter. Criteria: ACMG Guidelines, 2015. Collection method: clinical testing. Allele origin: germline.
ClinVar note: Converted during submission from Likely Benign to Likely benign.

Breakthrough Genomics
Classification: Likely benign. Review status: criteria provided, single submitter. Criteria: ACMG Guidelines, 2015. Collection method: not provided. Allele origin: germline. Inheritance: Unknown mechanism. Affected: yes.

Literature cited by the submitters: PubMed 10521300 (cited by Athena Diagnostics); PubMed 16418878 (cited by Athena Diagnostics); PubMed 11820805 (cited by Athena Diagnostics); PubMed 22130971 (cited by Athena Diagnostics); PubMed 28712340 (cited by Athena Diagnostics); PubMed 21526175 (cited by Athena Diagnostics).